The following is an entry in ClinVar:

ClinVar aggregate classification (germline): Likely benign (1 of 4 stars; one submission).

Conditions:
Mitochondrial complex I deficiency, nuclear type 1. Also called: NADH-COENZYME Q REDUCTASE DEFICIENCY; MITOCHONDRIAL NADH DEHYDROGENASE COMPONENT OF COMPLEX I, DEFICIENCY OF. Identifiers: MedGen C6022305, MONDO:0100224, OMIM 252010.

Allele frequency attached by ClinVar (database versions not stated): 1000 Genomes Project 0.01218; gnomAD 0.01360 and 0.01451; 1000 Genomes Project 30x 0.01437; TOPMed 0.01572.

Submission:

Illumina Laboratory Services, Illumina
Classification: Likely benign for Mitochondrial complex I deficiency, nuclear type 1. Last evaluated: 2018-01-13. Review status: criteria provided, single submitter. Criteria: ICSL Variant Classification Criteria 13 December 2019. Collection method: clinical testing. Allele origin: germline.
Comment: This variant was observed in the ICSL laboratory as part of a predisposition screen in an ostensibly healthy population. It had not been previously curated by ICSL or reported in the Human Gene Mutation Database (HGMD: prior to June 1st, 2018), and was therefore a candidate for classification through an automated scoring system. Utilizing variant allele frequency, disease prevalence and penetrance estimates, and inheritance mode, an automated score was calculated to assess if this variant is too frequent to cause the disease. Based on the score and internal cut-off values, a variant classified as likely benign is not then subjected to further curation. The score for this variant resulted in a classification of likely benign for this disease.

NM_014165.4(NDUFAF4):c.*1299G>A

Gene: NDUFAF4 (NADH:ubiquinone oxidoreductase complex assembly factor 4; minus strand). Cytogenetic location: 6q16.1.
Variant type: single nucleotide variant.
Coding change: c.*1299G>A on transcript NM_014165.4 (MANE Select); 1299 bases downstream of the stop codon, G replaced by A.
Molecular consequence: 3 prime UTR variant.
Genome position (GRCh38, 1-based): chr6:96,889,805, C>T on the plus strand (G>A on the coding strand, the complement: NDUFAF4 is on the minus strand). VCF-style: chr6-96889805-C-T. GRCh37 (hg19) VCF-style: chr6-97337681-C-T.
Identifiers: ClinVar variation 910627 (VCV000910627.4), dbSNP rs73758053, ClinGen allele CA144202460.
Genomic context (GRCh38, chr6:96,889,805, plus strand): 5'-AGCACTAATAACCCTAATATACCCACAATTCACACCTTTTCCCTTCTTTGAGGTGTGCTG[C>T]TTTTTGGCAAGACAGAAAAAACACACTACTAGGATTTGAAAAACTAAATTCTGGGCCTGT-3'